The following is an entry in ClinVar:

NM_018105.3(THAP1):c.197_198del (p.Glu66fs)

Gene: THAP1 (THAP domain containing 1; minus strand). Cytogenetic location: 8p11.21.
Variant type: Microsatellite.
Coding change: c.197_198del on transcript NM_018105.3 (MANE Select); coding-DNA positions 197 to 198, 2 bases deleted (AG; older notation c.197_198delAG).
Protein change: p.Glu66fs; shifts the reading frame from glutamic acid 66.
Molecular consequence: frameshift variant. On other transcripts: intron variant (1).
Genome position (GRCh38, 1-based): chr8:42,839,255-42,839,256, CT deleted on the plus strand (AG on the coding strand, the reverse complement: THAP1 is on the minus strand); deleting any 2 consecutive bases within chr8:42,839,255-42,839,262 gives the same sequence; the c. name uses the placement nearest the transcript's 3' end. VCF-style (leftmost placement, unchanged base first): chr8-42839254-ACT-A. GRCh37 (hg19) VCF-style: chr8-42694397-ACT-A.
Other names: c.72-926AG[3] (NM_199003.2); short protein forms E66fs.
Identifiers: ClinVar variation 871843 (VCV000871843.44), dbSNP rs1802672249, ClinGen allele CA1139660495.

ClinVar aggregate classification (germline): Pathogenic. Review status: criteria provided, multiple submitters, no conflicts (2 of 4 stars). 2 submissions from 2 submitters: Pathogenic (2). Last evaluated 2023-01-28.

Conditions:
Torsion dystonia 6 (DYT6). Also called: DYT-THAP1. Identifiers: Orphanet 98806, MedGen C1414216, MONDO:0011264, OMIM 602629.

Submissions (2):

Labcorp Genetics (formerly Invitae), Labcorp
Classification: Pathogenic for Torsion dystonia 6. Last evaluated: 2023-01-28. Review status: criteria provided, single submitter. Criteria: Invitae Variant Classification Sherloc (09022015). Collection method: clinical testing. Allele origin: germline.
Comment: For these reasons, this variant has been classified as Pathogenic. This variant disrupts a region of the THAP1 protein in which other variant(s) (p.Arg169*) have been determined to be pathogenic (PMID: 21520283, 21847143; Invitae). This suggests that this is a clinically significant region of the protein, and that variants that disrupt it are likely to be disease-causing. This premature translational stop signal has been observed in individual(s) with dystonia (PMID: 25653290). This variant is not present in population databases (gnomAD no frequency). This sequence change creates a premature translational stop signal (p.Glu66Valfs*19) in the THAP1 gene. While this is not anticipated to result in nonsense mediated decay, it is expected to disrupt the last 148 amino acid(s) of the THAP1 protein.

CeGaT Center for Human Genetics Tuebingen
Classification: Pathogenic. Last evaluated: 2016-10-01. Review status: criteria provided, single submitter. Criteria: CeGaT Center For Human Genetics Tuebingen Variant Classification Criteria Version 2. Collection method: clinical testing. Allele origin: germline. Affected: yes. Observed: 1 variant allele.

Literature cited by the submitters: PubMed 21520283 (cited by Labcorp Genetics (formerly Invitae), Labcorp); PubMed 21847143 (cited by Labcorp Genetics (formerly Invitae), Labcorp); PubMed 25653290 (cited by Labcorp Genetics (formerly Invitae), Labcorp).